The following is an entry in ClinVar:

NM_018941.4(CLN8):c.398T>A (p.Leu133Ter)

Gene: CLN8 (CLN8 transmembrane ER and ERGIC protein; plus strand). Cytogenetic location: 8p23.3.
Variant type: single nucleotide variant.
Coding change: c.398T>A on transcript NM_018941.4 (MANE Select); coding-DNA position 398, T replaced by A.
Protein change: p.Leu133Ter; replaces leucine 133 with a stop codon.
Molecular consequence: nonsense.
Genome position (GRCh38, 1-based): chr8:1,771,452, T>A. VCF-style: chr8-1771452-T-A. GRCh37 (hg19) VCF-style: chr8-1719618-T-A.
Other names: short protein forms L133*.
Identifiers: ClinVar variation 558034 (VCV000558034.8), dbSNP rs554042394, ClinGen allele CA369953483.
Genomic context (GRCh38, chr8:1,771,452, plus strand): 5'-TCTTTTGCTTTGAAAATGTTGCAGTCCACCTGTCCAACTTGATCTTCCGGACATTTGACT[T>A]GTTTCTGGTTATCCACCATCTCTTTGCCTTTCTTGGGTTTCTTGGCTGCTTGGTCAATCT-3'

ClinVar aggregate classification (germline): Pathogenic/Likely pathogenic. Review status: criteria provided, multiple submitters, no conflicts (2 of 4 stars). 3 submissions from 3 submitters: Pathogenic (1); Likely pathogenic (1). 1 of the submissions does not count toward it. Last evaluated 2024-11-27.

Conditions:
Neuronal ceroid lipofuscinosis. Also called: Neuronal Ceroid Lipofuscinoses. Identifiers: Orphanet 216, Orphanet 79263, MedGen C0027877, MONDO:0016295. Disease mechanism: loss of function.
Neuronal ceroid lipofuscinosis 8 (CLN8). Also called: CLN8-Related Neuronal Ceroid-Lipofuscinosis. Identifiers: Orphanet 168491, Orphanet 228354, Orphanet 79264, MedGen C1838570, MONDO:0010830, OMIM 600143.

Submissions (3):

Natera, Inc.
Classification: Likely pathogenic for Neuronal ceroid lipofuscinosis 8. Last evaluated: 2024-11-27. Review status: criteria provided, single submitter. Criteria: Natera Variant Classification Schema (03/2026). Collection method: clinical testing. Allele origin: germline.
Comment: The c.398T>A variant in CLN8 is a nonsense variant predicted to introduce a stop codon at amino acid 133. This variant is expected to result in nonsense mediated decay, truncation, or a dysfunctional protein product. This variant is rare in the general population with a frequency below the threshold expected for the associated phenotype(s). Given the available evidence, this variant is classified as Likely Pathogenic.

Labcorp Genetics (formerly Invitae), Labcorp
Classification: Pathogenic for Neuronal ceroid lipofuscinosis. Last evaluated: 2020-06-19. Review status: criteria provided, single submitter. Criteria: Invitae Variant Classification Sherloc (09022015). Collection method: clinical testing. Allele origin: germline.
Comment: This variant is not present in population databases (ExAC no frequency). This sequence change creates a premature translational stop signal (p.Leu133*) in the CLN8 gene. It is expected to result in an absent or disrupted protein product. This variant has not been reported in the literature in individuals with CLN8-related conditions. ClinVar contains an entry for this variant (Variation ID: 558034). Algorithms developed to predict the effect of sequence changes on RNA splicing suggest that this variant may create or strengthen a splice site, but this prediction has not been confirmed by published transcriptional studies. Loss-of-function variants in CLN8 are known to be pathogenic (PMID: 15024724). For these reasons, this variant has been classified as Pathogenic.

Counsyl
Classification: Likely pathogenic for Neuronal ceroid lipofuscinosis 8. Last evaluated: 2018-04-25. Review status: no assertion criteria provided. Collection method: clinical testing. Allele origin: unknown. Not counted in ClinVar's aggregate classification.

Literature cited by the submitters: PubMed 15024724 (cited by Labcorp Genetics (formerly Invitae), Labcorp).